The following is an entry in ClinVar:

NM_005993.5(TBCD):c.2387C>T (p.Thr796Ile)

Gene: TBCD (tubulin folding cofactor D). Cytogenetic location: 17q25.3.
Variant type: single nucleotide variant.
Coding change: c.2387C>T on transcript NM_005993.5 (MANE Select); coding-DNA position 2387, C replaced by T.
Protein change: p.Thr796Ile; replaces threonine 796 with isoleucine.
Molecular consequence: missense variant.
Genome position (GRCh38, 1-based): chr17:82,926,407, C>T. VCF-style: chr17-82926407-C-T. GRCh37 (hg19) VCF-style: chr17-80884283-C-T.
Other names: c.2336C>T, p.Thr779Ile (NM_001411101.1); c.2306C>T, p.Thr769Ile (NM_001411102.1); c.2387C>T (NM_005993.4); short protein forms T779I, T796I, T769I.
Identifiers: ClinVar variation 1959971 (VCV001959971.6), dbSNP rs1334730678, ClinGen allele CA401633809.
Genomic context (GRCh38, chr17:82,926,407, plus strand): 5'-AGTGCACTTTGTTATAGCTTATGGTTCTTCTGTGATTCTTTATTGCTTTCCAGGTTCTCA[C>T]AGGTTTAAGAGCAGTTACCCACACTTCCCCCGAGGACGTAAGTTTTGCTGAGTCCAGGAG-3'
Protein context (NP_005984.3, residues 786-806): LLKGRLQQVL[Thr796Ile]GLRAVTHTSP

ClinVar aggregate classification (germline): Uncertain significance. Review status: criteria provided, multiple submitters, no conflicts (2 of 4 stars). 2 submissions from 2 submitters: Uncertain significance (2). Last evaluated 2025-12-15.

Conditions:
Inborn genetic diseases. Identifiers: MedGen C0950123, MeSH D030342.

Allele frequency attached by ClinVar (database versions not stated): TOPMed 0.00001; gnomAD 0.00001; gnomAD exomes 0.00001.
gnomAD v4.1: 17 of 1,613,834 alleles (0.0011%); highest among the groups gnomAD compares: African/African-American, 0.0027%; no homozygotes.

Submissions (2):

Ambry Genetics
Classification: Uncertain significance for Inborn genetic diseases. Last evaluated: 2025-12-15. Review status: criteria provided, single submitter. Criteria: Ambry Variant Classification Scheme 2023. Collection method: clinical testing. Allele origin: germline.

Labcorp Genetics (formerly Invitae), Labcorp
Classification: Uncertain significance. Last evaluated: 2025-02-09. Review status: criteria provided, single submitter. Criteria: Invitae Variant Classification Sherloc (09022015). Collection method: clinical testing. Allele origin: germline.
Comment: This sequence change replaces threonine, which is neutral and polar, with isoleucine, which is neutral and non-polar, at codon 796 of the TBCD protein (p.Thr796Ile). This variant is present in population databases (no rsID available, gnomAD 0.008%). This variant has not been reported in the literature in individuals affected with TBCD-related conditions. ClinVar contains an entry for this variant (Variation ID: 1959971). Invitae Evidence Modeling of protein sequence and biophysical properties (such as structural, functional, and spatial information, amino acid conservation, physicochemical variation, residue mobility, and thermodynamic stability) has been performed for this missense variant. However, the output from this modeling did not meet the statistical confidence thresholds required to predict the impact of this variant on TBCD protein function. In summary, the available evidence is currently insufficient to determine the role of this variant in disease. Therefore, it has been classified as a Variant of Uncertain Significance.